The following is an entry in ClinVar:

NM_000122.2(ERCC3):c.314A>G (p.Glu105Gly)

Gene: ERCC3 (ERCC excision repair 3, TFIIH core complex helicase subunit; minus strand). Cytogenetic location: 2q14.3.
Variant type: single nucleotide variant.
Coding change: c.314A>G on transcript NM_000122.2 (MANE Select); coding-DNA position 314, A replaced by G.
Protein change: p.Glu105Gly; replaces glutamic acid 105 with glycine.
Molecular consequence: missense variant.
Genome position (GRCh38, 1-based): chr2:127,292,767, T>C on the plus strand (A>G on the coding strand, the complement: ERCC3 is on the minus strand). VCF-style: chr2-127292767-T-C. GRCh37 (hg19) VCF-style: chr2-128050343-T-C.
Other names: c.122A>G, p.Glu41Gly (NM_001303416.2, NM_001303418.2); short protein forms E41G, E105G.
Identifiers: ClinVar variation 893613 (VCV000893613.11), dbSNP rs116713511, ClinGen allele CA1858570.

ClinVar aggregate classification (germline): Uncertain significance. Review status: criteria provided, multiple submitters, no conflicts (2 of 4 stars). 4 submissions from 4 submitters: Uncertain significance (4). Last evaluated 2024-11-11.

Conditions:
Xeroderma pigmentosum group B. Also called: XP, GROUP B; XPB/CS; XERODERMA PIGMENTOSUM B/COCKAYNE SYNDROME; ERCC3-Related Xeroderma Pigmentosum. Identifiers: MedGen C0268136, MONDO:0012531, OMIM 610651.
Xeroderma pigmentosum (XP). Identifiers: Orphanet 910, MedGen C0043346, MONDO:0019600.

Allele frequency attached by ClinVar (database versions not stated): TOPMed 0.00021; gnomAD exomes 0.00024 and 0.00039; ExAC 0.00025; gnomAD 0.00025 and 0.00027; ESP Exome Variant Server 0.00046; 1000 Genomes Project 30x 0.00047; 1000 Genomes Project 0.00060.
gnomAD v4.1: 603 of 1,613,892 alleles (0.037%); highest among the groups gnomAD compares: South Asian, 0.06%; 2 homozygotes.

Submissions (4):

Labcorp Genetics (formerly Invitae), Labcorp
Classification: Uncertain significance. Last evaluated: 2024-11-11. Review status: criteria provided, single submitter. Criteria: Invitae Variant Classification Sherloc (09022015). Collection method: clinical testing. Allele origin: germline.
Comment: This sequence change replaces glutamic acid, which is acidic and polar, with glycine, which is neutral and non-polar, at codon 105 of the ERCC3 protein (p.Glu105Gly). This variant is present in population databases (rs116713511, gnomAD 0.04%). This variant has not been reported in the literature in individuals affected with ERCC3-related conditions. ClinVar contains an entry for this variant (Variation ID: 893613). Invitae Evidence Modeling of protein sequence and biophysical properties (such as structural, functional, and spatial information, amino acid conservation, physicochemical variation, residue mobility, and thermodynamic stability) indicates that this missense variant is expected to disrupt ERCC3 protein function with a positive predictive value of 80%. In summary, the available evidence is currently insufficient to determine the role of this variant in disease. Therefore, it has been classified as a Variant of Uncertain Significance.

Sema4
Classification: Uncertain significance for Xeroderma pigmentosum. Last evaluated: 2022-03-16. Review status: criteria provided, single submitter. Criteria: Sema4 Curation Guidelines. Collection method: curation. Allele origin: germline.
Comment: To the best of our knowledge, the ERCC3 c.314A>G (p.E105G) variant has not been reported in individuals with ERCC3-related disease. It was observed in 51/129174 chromosomes of the Non-Finnish European subpopulation in the large and broad cohorts of the Genome Aggregation Database (PMID: 32461654). The variant has been reported in ClinVar (Variation ID 893613). In silico tools suggest the impact of the variant on protein function is deleterious though these predictions have not been confirmed by functional studies. The evidence is insufficient to meet ACMG/AMP criteria for classifying the variant as benign or pathogenic. Thus, the clinical significance of this variant is currently uncertain.

Illumina Laboratory Services, Illumina
Classification: Uncertain significance for Xeroderma pigmentosum group B. Last evaluated: 2017-04-27. Review status: criteria provided, single submitter. Criteria: ICSL Variant Classification Criteria 13 December 2019. Collection method: clinical testing. Allele origin: germline.

Breakthrough Genomics
Classification: Uncertain significance. Review status: criteria provided, single submitter. Criteria: ACMG Guidelines, 2015. Collection method: not provided. Allele origin: germline. Inheritance: Autosomal recessive inheritance. Affected: yes.